The following is an entry in ClinVar:

ClinVar aggregate classification (germline): Uncertain significance (1 of 4 stars; one submission).

Conditions:
Hereditary cancer-predisposing syndrome. Also called: Tumor predisposition; Hereditary neoplastic syndrome; Hereditary Cancer Syndrome; Neoplastic Syndromes, Hereditary. Identifiers: Orphanet 140162, MedGen C0027672, MeSH D009386, MONDO:0015356.

Allele frequency attached by ClinVar (database versions not stated): gnomAD exomes below 0.00001.
gnomAD v4.1: 3 of 1,614,050 alleles (0.00019%); highest among the groups gnomAD compares: Non-Finnish European, 0.00025%; no homozygotes.

Submission:

Ambry Genetics
Classification: Uncertain significance for Hereditary cancer-predisposing syndrome. Last evaluated: 2024-01-11. Review status: criteria provided, single submitter. Criteria: Ambry Variant Classification Scheme 2023. Collection method: clinical testing. Allele origin: germline.
Comment: The p.D951N variant (also known as c.2851G>A), located in coding exon 17 of the ALK gene, results from a G to A substitution at nucleotide position 2851. The aspartic acid at codon 951 is replaced by asparagine, an amino acid with highly similar properties. This amino acid position is conserved. In addition, this alteration is predicted to be tolerated by in silico analysis. Since supporting evidence is limited at this time, the clinical significance of this alteration remains unclear.

NM_004304.5(ALK):c.2851G>A (p.Asp951Asn)

Gene: ALK (ALK receptor tyrosine kinase; minus strand). Cytogenetic location: 2p23.2.
Variant type: single nucleotide variant.
Coding change: c.2851G>A on transcript NM_004304.5 (MANE Select); coding-DNA position 2851, G replaced by A.
Protein change: p.Asp951Asn; replaces aspartic acid 951 with asparagine.
Molecular consequence: missense variant.
Genome position (GRCh38, 1-based): chr2:29,227,637, C>T on the plus strand (G>A on the coding strand, the complement: ALK is on the minus strand). VCF-style: chr2-29227637-C-T. GRCh37 (hg19) VCF-style: chr2-29450503-C-T.
Other names: short protein forms D951N.
Identifiers: ClinVar variation 3223849 (VCV003223849.1), dbSNP rs2465973610, ClinGen allele CA346468694.